The following is an entry in ClinVar:

NM_001126108.2(SLC12A3):c.*1204T>C

Gene: SLC12A3 (solute carrier family 12 member 3; plus strand). Cytogenetic location: 16q13.
Variant type: single nucleotide variant.
Coding change: c.*1204T>C on transcript NM_001126108.2 (MANE Select); 1204 bases downstream of the stop codon, T replaced by C.
Molecular consequence: 3 prime UTR variant.
Genome position (GRCh38, 1-based): chr16:56,914,609, T>C. VCF-style: chr16-56914609-T-C. GRCh37 (hg19) VCF-style: chr16-56948521-T-C.
Other names: c.*1204T>C (NM_000339.3, NM_001126107.2).
Identifiers: ClinVar variation 319947 (VCV000319947.5), dbSNP rs116537640, ClinGen allele CA10643921.

ClinVar aggregate classification (germline): Benign (1 of 4 stars; one submission).

Conditions:
Familial hypokalemia-hypomagnesemia (GTLMNS). Also called: gitelman syndrome; HYPOMAGNESEMIA-HYPOKALEMIA, PRIMARY RENOTUBULAR, WITH HYPOCALCIURIA; POTASSIUM AND MAGNESIUM DEPLETION. Identifiers: Orphanet 358, MedGen C0268450, MONDO:0009904, OMIM 263800.

Allele frequency attached by ClinVar (database versions not stated): gnomAD 0.01902 and 0.02034; 1000 Genomes Project 0.01997; 1000 Genomes Project 30x 0.02014; TOPMed 0.02176.

Submission:

Illumina Laboratory Services, Illumina
Classification: Benign for Familial hypokalemia-hypomagnesemia. Last evaluated: 2018-01-13. Review status: criteria provided, single submitter. Criteria: ICSL Variant Classification Criteria 13 December 2019. Collection method: clinical testing. Allele origin: germline.
Comment: This variant was observed in the ICSL laboratory as part of a predisposition screen in an ostensibly healthy population. It had not been previously curated by ICSL or reported in the Human Gene Mutation Database (HGMD: prior to June 1st, 2018), and was therefore a candidate for classification through an automated scoring system. Utilizing variant allele frequency, disease prevalence and penetrance estimates, and inheritance mode, an automated score was calculated to assess if this variant is too frequent to cause the disease. Based on the score and internal cut-off values, a variant classified as benign is not then subjected to further curation. The score for this variant resulted in a classification of benign for this disease.